The following is an entry in ClinVar:

ClinVar aggregate classification (germline): Uncertain significance (1 of 4 stars; one submission).

Conditions:
PLEC-related disorder. Also called: PLEC-related condition; PLEC-related disorders.

gnomAD v4.1: 21 of 1,607,326 alleles (0.0013%); highest among the groups gnomAD compares: East Asian, 0.0022%; no homozygotes.

Submission:

PreventionGenetics, part of Exact Sciences
Classification: Uncertain significance for PLEC-related condition. Last evaluated: 2026-02-24. Review status: criteria provided, single submitter. Criteria: ACMG Guidelines, 2015. Collection method: clinical testing. Allele origin: germline.
Comment: The PLEC c.185G>A variant is predicted to result in the amino acid substitution p.Arg62His. To our knowledge, this variant has not been reported in the literature. This variant is coding in an alternative transcript NM_201380:c.185G>A (p.Arg62His). This variant is reported in 0.0029% of alleles in individuals of European (Non-Finnish) descent in gnomAD. At this time, the clinical significance of this variant is uncertain due to the absence of conclusive functional and genetic evidence.

NM_201378.4(PLEC):c.71-11830G>A

Gene: PLEC (plectin; minus strand). Cytogenetic location: 8q24.3.
Variant type: single nucleotide variant.
Coding change: c.71-11830G>A on transcript NM_201378.4 (MANE Plus Clinical); 11830 bases into the intron before coding-DNA position 71, G replaced by A.
Molecular consequence: intron variant. On other transcripts: missense variant (1).
Genome position (GRCh38, 1-based): chr8:143,950,522, C>T on the plus strand (G>A on the coding strand, the complement: PLEC is on the minus strand). VCF-style: chr8-143950522-C-T. GRCh37 (hg19) VCF-style: chr8-145024690-C-T.
Other names: c.185G>A, p.Arg62His (NM_201380.4); c.194-11830G>A (NM_001410941.1, NM_000445.5); c.46+3204G>A (NM_201379.3); short protein forms R62H.
Identifiers: ClinVar variation 4988122 (VCV004988122.1).